The following is an entry in ClinVar:

NM_017429.3(BCO1):c.481C>T (p.Arg161Cys)

Gene: BCO1 (beta-carotene oxygenase 1; plus strand). Cytogenetic location: 16q23.2.
Variant type: single nucleotide variant.
Coding change: c.481C>T on transcript NM_017429.3 (MANE Select); coding-DNA position 481, C replaced by T.
Protein change: p.Arg161Cys; replaces arginine 161 with cysteine.
Molecular consequence: missense variant.
Genome position (GRCh38, 1-based): chr16:81,264,649, C>T. VCF-style: chr16-81264649-C-T. GRCh37 (hg19) VCF-style: chr16-81298254-C-T.
Other names: short protein forms R161C.
Identifiers: ClinVar variation 3034681 (VCV003034681.3), dbSNP rs147813781, ClinGen allele CA8190775.

ClinVar aggregate classification (germline): Likely benign. Review status: criteria provided, single submitter (1 of 4 stars). 2 submissions from 2 submitters: Likely benign (1). 1 of the submissions does not count toward it. Last evaluated 2024-11-21.

Conditions:
BCO1-related disorder. Also called: BCO1-related condition.

Allele frequency attached by ClinVar (database versions not stated): 1000 Genomes Project 30x 0.00078; 1000 Genomes Project 0.00100; gnomAD 0.00127; TOPMed 0.00132; ExAC 0.00137; gnomAD exomes 0.00180; ESP Exome Variant Server 0.00185.
gnomAD v4.1: 2,858 of 1,614,026 alleles (0.18%); highest among the groups gnomAD compares: Non-Finnish European, 0.21%; 7 homozygotes.

Submissions (2):

Blueprint Genetics
Classification: Likely benign. Last evaluated: 2024-11-21. Review status: criteria provided, single submitter. Criteria: ACMG Guidelines, 2015. Collection method: clinical testing. Allele origin: germline.

PreventionGenetics, part of Exact Sciences
Classification: Likely benign for BCO1-related condition. Last evaluated: 2023-05-03. Review status: no assertion criteria provided. Collection method: clinical testing. Allele origin: germline. Not counted in ClinVar's aggregate classification.
Comment: This variant is classified as likely benign based on ACMG/AMP sequence variant interpretation guidelines (Richards et al. 2015 PMID: 25741868, with internal and published modifications).